The following is an entry in ClinVar:

ClinVar aggregate classification (germline): Benign (0 of 4 stars; one submission).

Conditions:
DNAH2-related disorder. Also called: DNAH2-related condition.

Allele frequency attached by ClinVar (database versions not stated): gnomAD exomes 0.03721; ExAC 0.04700; gnomAD 0.05184; TOPMed 0.05296; ESP Exome Variant Server 0.05406; 1000 Genomes Project 0.06550; 1000 Genomes Project 30x 0.06715.
gnomAD v4.1: 62,614 of 1,611,872 alleles (3.9%); highest among the groups gnomAD compares: African/African-American, 8.9%; 1,616 homozygotes.

Submission:

PreventionGenetics, part of Exact Sciences
Classification: Benign for DNAH2-related condition. Last evaluated: 2019-09-24. Review status: no assertion criteria provided. Collection method: clinical testing. Allele origin: germline.
Comment: This variant is classified as benign based on ACMG/AMP sequence variant interpretation guidelines (Richards et al. 2015 PMID: 25741868, with internal and published modifications).

NM_020877.5(DNAH2):c.9300+10G>T

Gene: DNAH2 (dynein axonemal heavy chain 2; plus strand). Cytogenetic location: 17p13.1.
Variant type: single nucleotide variant.
Coding change: c.9300+10G>T on transcript NM_020877.5 (MANE Select); 10 bases into the intron after coding-DNA position 9300, G replaced by T.
Molecular consequence: intron variant.
Genome position (GRCh38, 1-based): chr17:7,805,084, G>T. VCF-style: chr17-7805084-G-T. GRCh37 (hg19) VCF-style: chr17-7708402-G-T.
Identifiers: ClinVar variation 3055635 (VCV003055635.2), dbSNP rs55676726, ClinGen allele CA8358666.